The following is an entry in ClinVar:

NM_002470.4(MYH3):c.2106C>T (p.Gly702=)

Gene: MYH3 (myosin heavy chain 3; minus strand). Cytogenetic location: 17p13.1.
Variant type: single nucleotide variant.
Coding change: c.2106C>T on transcript NM_002470.4 (MANE Select); coding-DNA position 2106, C replaced by T.
Protein change: p.Gly702=; no amino-acid change (glycine 702 retained).
Molecular consequence: synonymous variant.
Genome position (GRCh38, 1-based): chr17:10,641,144, G>A on the plus strand (C>T on the coding strand, the complement: MYH3 is on the minus strand). VCF-style: chr17-10641144-G-A. GRCh37 (hg19) VCF-style: chr17-10544461-G-A.
Identifiers: ClinVar variation 129648 (VCV000129648.26), dbSNP rs56259391, ClinGen allele CA153773.
Genomic context (GRCh38, chr17:10,641,144, plus strand): 5'-CCTTTGTTTAAAATCGCCATAGAGAATCCTGTTTGGGAACCCTTTCCTGCAGATGCGGAT[G>A]CCCTCCAGGACACCGTTACACCGCAGCTGGTGCAGAACAAGGCTGTGTTCCATAGCCCCT-3'
Protein context (NP_002461.2, residues 692-712): HQLRCNGVLE[Gly702=]IRICRKGFPN

ClinVar aggregate classification (germline): Benign. Review status: criteria provided, multiple submitters, no conflicts (2 of 4 stars). 9 submissions from 8 submitters: Benign (6). 3 of the submissions do not count toward it. Last evaluated 2026-02-02.

Conditions:
Distal arthrogryposis type 2B1 (DA2B1). Also called: Arthrogryposis multiplex congenita distal type II with craniofacial abnormalities. Identifiers: Orphanet 1147, MedGen C5193014, MONDO:0020820, OMIM 601680.
Freeman-Sheldon syndrome (DA2A). Also called: CRANIOCARPOTARSAL DYSPLASIA; CRANIOCARPOTARSAL DYSTROPHY; Arthrogryposis, distal, type 2A (Freeman-Sheldon); WHISTLING FACE-WINDMILL VANE HAND SYNDROME. Identifiers: Orphanet 2053, MedGen C0265224, MONDO:0008675, OMIM 193700.

Allele frequency attached by ClinVar (database versions not stated): gnomAD exomes 0.03878 and 0.03961; ExAC 0.04292; gnomAD 0.05858 and 0.05968; TOPMed 0.06017; 1000 Genomes Project 0.06170; 1000 Genomes Project 30x 0.06293; ESP Exome Variant Server 0.06974.
gnomAD v4.1: 66,975 of 1,613,832 alleles (4.2%); highest among the groups gnomAD compares: African/African-American, 13%; 1,896 homozygotes.

Submissions (9):

Labcorp Genetics (formerly Invitae), Labcorp
Classification: Benign. Last evaluated: 2026-02-02. Review status: criteria provided, single submitter. Criteria: Invitae Variant Classification Sherloc (09022015). Collection method: clinical testing. Allele origin: germline.

GeneDx
Classification: Benign. Last evaluated: 2019-12-26. Review status: criteria provided, single submitter. Criteria: GeneDx Variant Classification Process June 2021. Collection method: clinical testing. Allele origin: germline. Affected: yes.

Illumina Laboratory Services, Illumina
Classification: Benign for Freeman-Sheldon syndrome. Last evaluated: 2018-01-13. Review status: criteria provided, single submitter. Criteria: ICSL Variant Classification Criteria 13 December 2019. Collection method: clinical testing. Allele origin: germline.
Comment: This variant was observed in the ICSL laboratory as part of a predisposition screen in an ostensibly healthy population. It had not been previously curated by ICSL or reported in the Human Gene Mutation Database (HGMD: prior to June 1st, 2018), and was therefore a candidate for classification through an automated scoring system. Utilizing variant allele frequency, disease prevalence and penetrance estimates, and inheritance mode, an automated score was calculated to assess if this variant is too frequent to cause the disease. Based on the score and internal cut-off values, a variant classified as benign is not then subjected to further curation. The score for this variant resulted in a classification of benign for this disease.

Illumina Laboratory Services, Illumina
Classification: Benign for Distal arthrogryposis type 2B1. Last evaluated: 2018-01-13. Review status: criteria provided, single submitter. Criteria: ICSL Variant Classification Criteria 13 December 2019. Collection method: clinical testing. Allele origin: germline.
Comment: the same text as in the submission from Illumina Laboratory Services, Illumina above.

Breakthrough Genomics
Classification: Benign. Review status: criteria provided, single submitter. Criteria: ACMG Guidelines, 2015. Collection method: not provided. Allele origin: germline. Inheritance: Autosomal recessive inheritance. Affected: yes.

PreventionGenetics, part of Exact Sciences
Classification: Benign. Review status: criteria provided, single submitter. Criteria: ACMG Guidelines, 2015. Collection method: clinical testing. Allele origin: germline.

Clinical Genetics, Academic Medical Center
Classification: Benign. Review status: no assertion criteria provided. Collection method: clinical testing. Allele origin: germline. Affected: yes. Study: VKGL Data-share Consensus. Not counted in ClinVar's aggregate classification.

Genetic Services Laboratory, University of Chicago
Classification: Likely benign for AllHighlyPenetrant. Review status: no assertion criteria provided. Collection method: clinical testing. Allele origin: germline. Inheritance: Autosomal dominant inheritance. Not counted in ClinVar's aggregate classification.
Comment: Likely benign based on allele frequency in 1000 Genomes Project or ESP global frequency and its presence in a patient with a rare or unrelated disease phenotype. NOT Sanger confirmed.

Joint Genome Diagnostic Labs from Nijmegen and Maastricht, Radboudumc and MUMC+
Classification: Benign. Review status: no assertion criteria provided. Collection method: clinical testing. Allele origin: germline. Affected: yes. Study: VKGL Data-share Consensus. Not counted in ClinVar's aggregate classification.